The following is an entry in ClinVar:

NM_002661.5(PLCG2):c.811A>G (p.Lys271Glu)

Gene: PLCG2 (phospholipase C gamma 2; plus strand). Cytogenetic location: 16q23.3.
Variant type: single nucleotide variant.
Coding change: c.811A>G on transcript NM_002661.5 (MANE Select); coding-DNA position 811, A replaced by G.
Protein change: p.Lys271Glu; replaces lysine 271 with glutamic acid.
Molecular consequence: missense variant.
Genome position (GRCh38, 1-based): chr16:81,889,217, A>G. VCF-style: chr16-81889217-A-G. GRCh37 (hg19) VCF-style: chr16-81922822-A-G.
Other names: short protein forms K271E.
Identifiers: ClinVar variation 1986256 (VCV001986256.4), dbSNP rs762866755, ClinGen allele CA8193462.

ClinVar aggregate classification (germline): Uncertain significance (1 of 4 stars; one submission).

Conditions:
Familial cold autoinflammatory syndrome 3 (FCAS3). Also called: FAMILIAL ATYPICAL COLD URTICARIA; ANTIBODY DEFICIENCY AND IMMUNE DYSREGULATION, PLCG2-ASSOCIATED. Identifiers: Orphanet 300359, MedGen C3280914, MONDO:0013766, OMIM 614468.

Allele frequency attached by ClinVar (database versions not stated): gnomAD exomes below 0.00001; ExAC 0.00001.
gnomAD v4.1: 3 of 1,606,712 alleles (0.00019%); highest among the groups gnomAD compares: Non-Finnish European, 0.00025%; no homozygotes.

Submission:

Labcorp Genetics (formerly Invitae), Labcorp
Classification: Uncertain significance for Familial cold autoinflammatory syndrome 3. Last evaluated: 2022-10-09. Review status: criteria provided, single submitter. Criteria: Invitae Variant Classification Sherloc (09022015). Collection method: clinical testing. Allele origin: germline.
Comment: The frequency data for this variant in the population databases is considered unreliable, as metrics indicate poor data quality at this position in the gnomAD database. This sequence change replaces lysine, which is basic and polar, with glutamic acid, which is acidic and polar, at codon 271 of the PLCG2 protein (p.Lys271Glu). This variant has not been reported in the literature in individuals affected with PLCG2-related conditions. In summary, the available evidence is currently insufficient to determine the role of this variant in disease. Therefore, it has been classified as a Variant of Uncertain Significance. Algorithms developed to predict the effect of missense changes on protein structure and function (SIFT, PolyPhen-2, Align-GVGD) all suggest that this variant is likely to be tolerated.